The following is an entry in ClinVar:

NM_002618.4(PEX13):c.95C>A (p.Ser32Tyr)

Gene: PEX13 (peroxisomal biogenesis factor 13; plus strand). Cytogenetic location: 2p15.
Variant type: single nucleotide variant.
Coding change: c.95C>A on transcript NM_002618.4 (MANE Select); coding-DNA position 95, C replaced by A.
Protein change: p.Ser32Tyr; replaces serine 32 with tyrosine.
Molecular consequence: missense variant.
Genome position (GRCh38, 1-based): chr2:61,031,421, C>A. VCF-style: chr2-61031421-C-A. GRCh37 (hg19) VCF-style: chr2-61258556-C-A.
Other names: short protein forms S32Y.
Identifiers: ClinVar variation 1933598 (VCV001933598.4), dbSNP rs1035094645, ClinGen allele CA48341834.

ClinVar aggregate classification (germline): Uncertain significance (1 of 4 stars; one submission).

Conditions:
Peroxisome biogenesis disorder 11A (Zellweger). Also called: Peroxisome biogenesis disorder 11A. Identifiers: Orphanet 912, MedGen C3554000, MONDO:0013949, OMIM 614883.

Allele frequency attached by ClinVar (database versions not stated): gnomAD 0.00001; TOPMed 0.00001.

Submission:

Labcorp Genetics (formerly Invitae), Labcorp
Classification: Uncertain significance for Peroxisome biogenesis disorder 11A (Zellweger). Last evaluated: 2024-11-05. Review status: criteria provided, single submitter. Criteria: Invitae Variant Classification Sherloc (09022015). Collection method: clinical testing. Allele origin: germline.
Comment: This sequence change replaces serine, which is neutral and polar, with tyrosine, which is neutral and polar, at codon 32 of the PEX13 protein (p.Ser32Tyr). This variant is present in population databases (no rsID available, gnomAD 0.01%). This variant has not been reported in the literature in individuals affected with PEX13-related conditions. ClinVar contains an entry for this variant (Variation ID: 1933598). An algorithm developed to predict the effect of missense changes on protein structure and function (PolyPhen-2) suggests that this variant is likely to be disruptive. In summary, the available evidence is currently insufficient to determine the role of this variant in disease. Therefore, it has been classified as a Variant of Uncertain Significance.